The following is an entry in ClinVar:

NM_005228.5(EGFR):c.409A>G (p.Met137Val)

Gene: EGFR (epidermal growth factor receptor; plus strand). Cytogenetic location: 7p11.2.
Variant type: single nucleotide variant.
Coding change: c.409A>G on transcript NM_005228.5 (MANE Select); coding-DNA position 409, A replaced by G.
Protein change: p.Met137Val; replaces methionine 137 with valine.
Molecular consequence: missense variant. On other transcripts: intron variant (1).
Genome position (GRCh38, 1-based): chr7:55,143,473, A>G. VCF-style: chr7-55143473-A-G. GRCh37 (hg19) VCF-style: chr7-55211166-A-G.
Other names: c.409A>G, p.Met137Val (NM_001346897.2, NM_001346898.2, NM_001346899.2 and 3 more transcripts); c.250A>G, p.Met84Val (NM_001346900.2); c.89-12357A>G (NM_001346941.2); short protein forms M137V, M84V.
Identifiers: ClinVar variation 3675754 (VCV003675754.3).

ClinVar aggregate classification (germline): Uncertain significance. Review status: criteria provided, multiple submitters, no conflicts (2 of 4 stars). 2 submissions from 2 submitters: Uncertain significance (2). Last evaluated 2025-08-30.

Conditions:
EGFR-related lung cancer (EGFR). Identifiers: MedGen CN130014.
Hereditary cancer-predisposing syndrome. Also called: Neoplastic Syndromes, Hereditary; Tumor predisposition; Hereditary Cancer Syndrome; Hereditary neoplastic syndrome. Identifiers: Orphanet 140162, MedGen C0027672, MeSH D009386, MONDO:0015356.

Submissions (2):

Labcorp Genetics (formerly Invitae), Labcorp
Classification: Uncertain significance for EGFR-related lung cancer. Last evaluated: 2025-08-30. Review status: criteria provided, single submitter. Criteria: Invitae Variant Classification Sherloc (09022015). Collection method: clinical testing. Allele origin: germline.
Comment: This sequence change replaces methionine, which is neutral and non-polar, with valine, which is neutral and non-polar, at codon 137 of the EGFR protein (p.Met137Val). This variant is present in population databases (rs754854319, gnomAD 0.0009%). This variant has not been reported in the literature in individuals affected with EGFR-related conditions. ClinVar contains an entry for this variant (Variation ID: 3675754). Invitae Evidence Modeling of protein sequence and biophysical properties (such as structural, functional, and spatial information, amino acid conservation, physicochemical variation, residue mobility, and thermodynamic stability) indicates that this missense variant is not expected to disrupt EGFR protein function with a negative predictive value of 80%. In summary, the available evidence is currently insufficient to determine the role of this variant in disease. Therefore, it has been classified as a Variant of Uncertain Significance.

Ambry Genetics
Classification: Uncertain significance for Hereditary cancer-predisposing syndrome. Last evaluated: 2025-07-03. Review status: criteria provided, single submitter. Criteria: Ambry Variant Classification Scheme 2023. Collection method: clinical testing. Allele origin: germline.
Comment: The p.M137V variant (also known as c.409A>G), located in coding exon 3 of the EGFR gene, results from an A to G substitution at nucleotide position 409. The methionine at codon 137 is replaced by valine, an amino acid with highly similar properties. This amino acid position is not well conserved in available vertebrate species. In addition, this alteration is predicted to be tolerated by in silico analysis. Based on the available evidence, the clinical significance of this variant remains unclear.